The following is an entry in ClinVar:

NM_005660.3(SLC35A2):c.838T>C (p.Phe280Leu)

Gene: SLC35A2 (solute carrier family 35 member A2; minus strand). Cytogenetic location: Xp11.23.
Variant type: single nucleotide variant.
Coding change: c.838T>C on transcript NM_005660.3 (MANE Select); coding-DNA position 838, T replaced by C.
Protein change: p.Phe280Leu; replaces phenylalanine 280 with leucine.
Molecular consequence: missense variant. On other transcripts: intron variant (3).
Genome position (GRCh38, 1-based): chrX:48,905,071, A>G on the plus strand (T>C on the coding strand, the complement: SLC35A2 is on the minus strand). VCF-style: chrX-48905071-A-G. GRCh37 (hg19) VCF-style: chrX-48762348-A-G.
Other names: c.838T>C, p.Phe280Leu (NM_001042498.3); c.655T>C, p.Phe219Leu (NM_001282649.2); c.877T>C, p.Phe293Leu (NM_001282650.2); c.922T>C, p.Phe308Leu (NM_001282651.2); c.427-179T>C (NM_001282647.2, NM_001032289.3); c.355-179T>C (NM_001282648.2); short protein forms F293L, F219L, F308L, F280L.
Identifiers: ClinVar variation 3691399 (VCV003691399.2).
Genomic context (GRCh38, chrX:48,905,071, plus strand): 5'-CAAAGCCCTTGAGGATATTGTCAGCGTACTTGACAACCACAGCCACCAGTAGCCCGCCGA[A>G]GGCCTGGTTGAGCACCACGCCCCAGACAGCAGGTGTGTACCCAAAAAAGAAACCACGGGT-3'
Protein context (NP_005651.1, residues 270-290): AVWGVVLNQA[Phe280Leu]GGLLVAVVVK

ClinVar aggregate classification (germline): Uncertain significance (1 of 4 stars; one submission).

Conditions:
SLC35A2-congenital disorder of glycosylation. Also called: CONGENITAL DISORDER OF GLYCOSYLATION, TYPE IIm; CDG IIm; CONGENITAL DISORDER OF GLYCOSYLATION, TYPE IIm, SOMATIC MOSAIC; EPILEPTIC ENCEPHALOPATHY, EARLY INFANTILE, 22; DEVELOPMENTAL AND EPILEPTIC ENCEPHALOPATHY 22; SLC35A2-CDG. Identifiers: Orphanet 356961, MedGen C3806688, MONDO:0010478, OMIM 300896.

gnomAD v4.1: 6 of 1,211,652 alleles (0.0005%); highest among the groups gnomAD compares: Non-Finnish European, 0.00067%; no homozygotes.

Submission:

Labcorp Genetics (formerly Invitae), Labcorp
Classification: Uncertain significance for SLC35A2-congenital disorder of glycosylation. Last evaluated: 2024-11-13. Review status: criteria provided, single submitter. Criteria: Invitae Variant Classification Sherloc (09022015). Collection method: clinical testing. Allele origin: germline.
Comment: This sequence change replaces phenylalanine, which is neutral and non-polar, with leucine, which is neutral and non-polar, at codon 280 of the SLC35A2 protein (p.Phe280Leu). This variant is not present in population databases (gnomAD no frequency). This variant has not been reported in the literature in individuals affected with SLC35A2-related conditions. Invitae Evidence Modeling of protein sequence and biophysical properties (such as structural, functional, and spatial information, amino acid conservation, physicochemical variation, residue mobility, and thermodynamic stability) indicates that this missense variant is not expected to disrupt SLC35A2 protein function with a negative predictive value of 80%. In summary, the available evidence is currently insufficient to determine the role of this variant in disease. Therefore, it has been classified as a Variant of Uncertain Significance.